The following is an entry in ClinVar:

ClinVar aggregate classification (germline): Uncertain significance. Review status: criteria provided, multiple submitters, no conflicts (2 of 4 stars). 2 submissions from 2 submitters: Uncertain significance (2). Last evaluated 2025-03-13.

Conditions:
Retinal dystrophy. Also called: Inherited retinal dystrophy. Identifiers: Orphanet 71862, MedGen C0854723, MeSH D058499, MONDO:0019118, HP:0000556.

Allele frequency attached by ClinVar (database versions not stated): gnomAD exomes 0.00001.
gnomAD v4.1: 13 of 1,595,848 alleles (0.00081%); highest among the groups gnomAD compares: East Asian, 0.02%; no homozygotes.

Submissions (2):

Labcorp Genetics (formerly Invitae), Labcorp
Classification: Uncertain significance. Last evaluated: 2025-03-13. Review status: criteria provided, single submitter. Criteria: Invitae Variant Classification Sherloc (09022015). Collection method: clinical testing. Allele origin: germline.
Comment: This sequence change replaces isoleucine, which is neutral and non-polar, with threonine, which is neutral and polar, at codon 420 of the PROM1 protein (p.Ile420Thr). This variant is present in population databases (rs370997223, gnomAD 0.007%). This variant has not been reported in the literature in individuals affected with PROM1-related conditions. ClinVar contains an entry for this variant (Variation ID: 3027639). Invitae Evidence Modeling of protein sequence and biophysical properties (such as structural, functional, and spatial information, amino acid conservation, physicochemical variation, residue mobility, and thermodynamic stability) indicates that this missense variant is not expected to disrupt PROM1 protein function with a negative predictive value of 80%. In summary, the available evidence is currently insufficient to determine the role of this variant in disease. Therefore, it has been classified as a Variant of Uncertain Significance.

Dept Of Ophthalmology, Nagoya University
Classification: Uncertain significance for Retinal dystrophy. Last evaluated: 2023-10-01. Review status: criteria provided, single submitter. Criteria: Submitter's publication. Collection method: research. Allele origin: germline. Affected: yes.

NM_006017.3(PROM1):c.1259T>C (p.Ile420Thr)

Gene: PROM1 (prominin 1; minus strand). Cytogenetic location: 4p15.32.
Variant type: single nucleotide variant.
Coding change: c.1259T>C on transcript NM_006017.3 (MANE Select); coding-DNA position 1259, T replaced by C.
Protein change: p.Ile420Thr; replaces isoleucine 420 with threonine.
Molecular consequence: missense variant.
Genome position (GRCh38, 1-based): chr4:16,008,991, A>G on the plus strand (T>C on the coding strand, the complement: PROM1 is on the minus strand). VCF-style: chr4-16008991-A-G. GRCh37 (hg19) VCF-style: chr4-16010614-A-G.
Other names: c.1232T>C, p.Ile411Thr (NM_001145847.2, NM_001145848.2, NM_001145851.2 and 4 more transcripts); c.1259T>C, p.Ile420Thr (NM_001145849.2, NM_001145850.2); short protein forms I411T, I420T.
Identifiers: ClinVar variation 3027639 (VCV003027639.2), dbSNP rs370997223, ClinGen allele CA2866828.